The following is an entry in ClinVar:

ClinVar aggregate classification (germline): Uncertain significance (1 of 4 stars; one submission).

Allele frequency attached by ClinVar (database versions not stated): gnomAD exomes below 0.00001.
gnomAD v4.1: 2 of 1,605,604 alleles (0.00012%); highest among the groups gnomAD compares: South Asian, 0.0022%; no homozygotes.

Submission:

CeGaT Center for Human Genetics Tuebingen
Classification: Uncertain significance. Last evaluated: 2022-05-01. Review status: criteria provided, single submitter. Criteria: CeGaT Center For Human Genetics Tuebingen Variant Classification Criteria Version 2. Collection method: clinical testing. Allele origin: germline. Affected: yes. Observed: 1 variant allele.
Comment: DMXL2: PM2

NM_001378457.1(DMXL2):c.199A>G (p.Asn67Asp)

Gene: DMXL2 (Dmx like 2; minus strand). Cytogenetic location: 15q21.2.
Variant type: single nucleotide variant.
Coding change: c.199A>G on transcript NM_001378457.1 (MANE Select); coding-DNA position 199, A replaced by G.
Protein change: p.Asn67Asp; replaces asparagine 67 with aspartic acid.
Molecular consequence: missense variant. On other transcripts: non-coding transcript variant (2).
Genome position (GRCh38, 1-based): chr15:51,576,070, T>C on the plus strand (A>G on the coding strand, the complement: DMXL2 is on the minus strand). VCF-style: chr15-51576070-T-C. GRCh37 (hg19) VCF-style: chr15-51868267-T-C.
Other names: c.199A>G, p.Asn67Asp (NM_001174116.3, NM_001174117.3, NM_001378458.1 and 7 more transcripts); short protein forms N67D.
Identifiers: ClinVar variation 2645348 (VCV002645348.24), dbSNP rs2548745587, ClinGen allele CA392759827.